The following is an entry in ClinVar:

ClinVar aggregate classification (germline): Uncertain significance (1 of 4 stars; one submission).

Conditions:
Immunodeficiency due to CD25 deficiency. Also called: IL2RA DEFICIENCY; CD25 DEFICIENCY; IMMUNODEFICIENCY 41 WITH LYMPHOPROLIFERATION AND AUTOIMMUNITY. Identifiers: Orphanet 169100, MedGen C1853392, MONDO:0011664, OMIM 606367.

Allele frequency attached by ClinVar (database versions not stated): gnomAD exomes below 0.00001; TOPMed below 0.00001; gnomAD 0.00001.
gnomAD v4.1: 3 of 1,613,680 alleles (0.00019%); highest among the groups gnomAD compares: Admixed American, 0.005%; no homozygotes.

Submission:

Labcorp Genetics (formerly Invitae), Labcorp
Classification: Uncertain significance for Immunodeficiency due to CD25 deficiency. Last evaluated: 2019-11-12. Review status: criteria provided, single submitter. Criteria: Invitae Variant Classification Sherloc (09022015). Collection method: clinical testing. Allele origin: germline.
Comment: In summary, the available evidence is currently insufficient to determine the role of this variant in disease. Therefore, it has been classified as a Variant of Uncertain Significance. Algorithms developed to predict the effect of missense changes on protein structure and function are either unavailable or do not agree on the potential impact of this missense change (SIFT: "Deleterious"; PolyPhen-2: "Probably Damaging"; Align-GVGD: "Class C0"). This variant has not been reported in the literature in individuals with IL2RA-related conditions. This variant is not present in population databases (ExAC no frequency). This sequence change replaces alanine with valine at codon 244 of the IL2RA protein (p.Ala244Val). The alanine residue is highly conserved and there is a small physicochemical difference between alanine and valine.

NM_000417.3(IL2RA):c.731C>T (p.Ala244Val)

Gene: IL2RA (interleukin 2 receptor subunit alpha; minus strand). Cytogenetic location: 10p15.1.
Variant type: single nucleotide variant.
Coding change: c.731C>T on transcript NM_000417.3 (MANE Select); coding-DNA position 731, C replaced by T.
Protein change: p.Ala244Val; replaces alanine 244 with valine.
Molecular consequence: missense variant.
Genome position (GRCh38, 1-based): chr10:6,018,116, G>A on the plus strand (C>T on the coding strand, the complement: IL2RA is on the minus strand). VCF-style: chr10-6018116-G-A. GRCh37 (hg19) VCF-style: chr10-6060079-G-A.
Other names: c.515C>T, p.Ala172Val (NM_001308242.2); c.443C>T, p.Ala148Val (NM_001308243.2); short protein forms A244V, A148V, A172V.
Identifiers: ClinVar variation 966768 (VCV000966768.9), dbSNP rs1371314193, ClinGen allele CA375924371.